The following is an entry in ClinVar:

ClinVar aggregate classification (germline): Uncertain significance (1 of 4 stars; one submission).

Submission:

Labcorp Genetics (formerly Invitae), Labcorp
Classification: Uncertain significance. Last evaluated: 2022-09-17. Review status: criteria provided, single submitter. Criteria: Invitae Variant Classification Sherloc (09022015). Collection method: clinical testing. Allele origin: germline.
Comment: This variant is not present in population databases (gnomAD no frequency). This sequence change replaces glycine, which is neutral and non-polar, with arginine, which is basic and polar, at codon 1146 of the COL4A2 protein (p.Gly1146Arg). This variant has not been reported in the literature in individuals affected with COL4A2-related conditions. In summary, the available evidence is currently insufficient to determine the role of this variant in disease. Therefore, it has been classified as a Variant of Uncertain Significance. Advanced modeling of protein sequence and biophysical properties (such as structural, functional, and spatial information, amino acid conservation, physicochemical variation, residue mobility, and thermodynamic stability) performed at Invitae indicates that this missense variant is not expected to disrupt COL4A2 protein function.

NM_001846.4(COL4A2):c.3436G>A (p.Gly1146Arg)

Gene: COL4A2 (collagen type IV alpha 2 chain; plus strand). Cytogenetic location: 13q34.
Variant type: single nucleotide variant.
Coding change: c.3436G>A on transcript NM_001846.4 (MANE Select); coding-DNA position 3436, G replaced by A.
Protein change: p.Gly1146Arg; replaces glycine 1146 with arginine.
Molecular consequence: missense variant.
Genome position (GRCh38, 1-based): chr13:110,491,322, G>A. VCF-style: chr13-110491322-G-A. GRCh37 (hg19) VCF-style: chr13-111143669-G-A.
Other names: short protein forms G1146R.
Identifiers: ClinVar variation 1719676 (VCV001719676.5), dbSNP rs2502181177, ClinGen allele CA388731898.
Genomic context (GRCh38, chr13:110,491,322, plus strand): 5'-ACAGAAGGTGACATCGGCTTCCCTGGGATAACAGGCGTGACTGGAGTCCAAGGCCCTCCT[G>A]GACTTAAAGGACAAACAGGTAAAATCTCCCGCAGCCACACAGCCTTCCTCAGGCAGGCCC-3'
Protein context (NP_001837.2, residues 1136-1156): TGVTGVQGPP[Gly1146Arg]LKGQTGFPGL